The following is an entry in ClinVar:

NM_130384.3(ATRIP):c.240C>G (p.Asp80Glu)

Genes: ATRIP (ATR interacting protein; plus strand), ATRIP-TREX1 (ATRIP-TREX1 readthrough; plus strand). Cytogenetic location: 3p21.31.
Variant type: single nucleotide variant.
Coding change: c.240C>G on transcript NM_130384.3 (MANE Select); coding-DNA position 240, C replaced by G.
Protein change: p.Asp80Glu; replaces aspartic acid 80 with glutamic acid.
Molecular consequence: missense variant. On other transcripts: non-coding transcript variant (1), intron variant (1).
Genome position (GRCh38, 1-based): chr3:48,447,085, C>G. VCF-style: chr3-48447085-C-G. GRCh37 (hg19) VCF-style: chr3-48488489-C-G.
Other names: c.240C>G, p.Asp80Glu (NM_032166.4); c.-218+286C>G (NM_001271022.2); short protein forms D80E.
Identifiers: ClinVar variation 3464230 (VCV003464230.2).
Genomic context (GRCh38, chr3:48,447,085, plus strand): 5'-GGAGGAGCTTGACACCCTCGCGTCACAGGCCCTGAGCCAATGTCCGGCCGCGGCTCGGGA[C>G]GTGTCCAGTGAGTGCTCCTCGCGGCCTTTTGCTCGGAGGGAGTTGTCAACCGCGCCAGAT-3'
Protein context (NP_569055.1, residues 70-90): ALSQCPAAAR[Asp80Glu]VSSDHKVHRL

ClinVar aggregate classification (germline): Uncertain significance. Review status: criteria provided, multiple submitters, no conflicts (2 of 4 stars). 2 submissions from 2 submitters: Uncertain significance (2). Last evaluated 2025-05-11.

gnomAD v4.1: 2 of 1,551,254 alleles (0.00013%); highest among the groups gnomAD compares: Admixed American, 0.004%; no homozygotes.

Submissions (2):

Labcorp Genetics (formerly Invitae), Labcorp
Classification: Uncertain significance. Last evaluated: 2025-05-11. Review status: criteria provided, single submitter. Criteria: Invitae Variant Classification Sherloc (09022015). Collection method: clinical testing. Allele origin: germline.
Comment: This sequence change replaces aspartic acid, which is acidic and polar, with glutamic acid, which is acidic and polar, at codon 80 of the ATRIP protein (p.Asp80Glu). This variant is present in population databases (no rsID available, gnomAD 0.06%). This variant has not been reported in the literature in individuals affected with ATRIP-related conditions. ClinVar contains an entry for this variant (Variation ID: 3464230). An algorithm developed to predict the effect of missense changes on protein structure and function (PolyPhen-2) suggests that this variant is likely to be tolerated. In summary, the available evidence is currently insufficient to determine the role of this variant in disease. Therefore, it has been classified as a Variant of Uncertain Significance.

Ambry Genetics
Classification: Uncertain significance. Last evaluated: 2024-11-21. Review status: criteria provided, single submitter. Criteria: Ambry Variant Classification Scheme 2023. Collection method: clinical testing. Allele origin: germline.
Comment: The p.D80E variant (also known as c.240C>G), located in coding exon 1 of the ATRIP gene, results from a C to G substitution at nucleotide position 240. The aspartic acid at codon 80 is replaced by glutamic acid, an amino acid with highly similar properties. This amino acid position is conserved. In addition, this alteration is predicted to be tolerated by in silico analysis. Based on the available evidence, the clinical significance of this variant remains unclear.